The following is an entry in ClinVar:

NM_001129.5(AEBP1):c.1519G>A (p.Val507Met)

Gene: AEBP1 (AE binding protein 1; plus strand). Cytogenetic location: 7p13.
Variant type: single nucleotide variant.
Coding change: c.1519G>A on transcript NM_001129.5 (MANE Select); coding-DNA position 1519, G replaced by A.
Protein change: p.Val507Met; replaces valine 507 with methionine.
Molecular consequence: missense variant.
Genome position (GRCh38, 1-based): chr7:44,110,946, G>A. VCF-style: chr7-44110946-G-A. GRCh37 (hg19) VCF-style: chr7-44150545-G-A.
Other names: short protein forms V507M.
Identifiers: ClinVar variation 4688871 (VCV004688871.1).
Genomic context (GRCh38, chr7:44,110,946, plus strand): 5'-ACTGCTCTGAGGCCTGCCTCTCCCCAGACCTTTCATGGGAACGTGGACAAGGACACACCC[G>A]TGCTGAGTGAGCTCCCAGAGCCGGTGGTGGCTCGTTTCATCCGCATCTACCCACTCACCT-3'
Protein context (NP_001120.3, residues 497-517): FHGNVDKDTP[Val507Met]LSELPEPVVA

ClinVar aggregate classification (germline): Uncertain significance (1 of 4 stars; one submission).

gnomAD v4.1: 44 of 1,613,884 alleles (0.0027%); highest among the groups gnomAD compares: East Asian, 0.0045%; no homozygotes.

Submission:

Women's Health and Genetics/Laboratory Corporation of America, LabCorp
Classification: Uncertain significance. Last evaluated: 2025-12-23. Review status: criteria provided, single submitter. Criteria: LabCorp Variant Classification Summary - May 2015. Collection method: clinical testing. Allele origin: germline.
Comment: Variant summary: AEBP1 c.1519G>A (p.Val507Met) results in a conservative amino acid change in the encoded protein sequence. Algorithms developed to predict the effect of missense changes on protein structure and function are either unavailable or do not agree on the potential impact of this missense change. The variant allele was found at a frequency of 5.2e-05 in 251242 control chromosomes. This frequency is not significantly higher than estimated for disease-causing variants in AEBP1, allowing no conclusion about variant significance. To our knowledge, no occurrence of c.1519G>A in individuals affected with AEBP1-related conditions and no experimental evidence demonstrating its impact on protein function have been reported. No submitters have cited clinical-significance assessments for this variant to ClinVar. Based on the evidence outlined above, the variant was classified as uncertain significance.